The following is an entry in ClinVar:

NM_000112.4(SLC26A2):c.*3466C>G

Gene: SLC26A2 (solute carrier family 26 member 2; plus strand). Cytogenetic location: 5q32.
Variant type: single nucleotide variant.
Coding change: c.*3466C>G on transcript NM_000112.4 (MANE Select); 3466 bases downstream of the stop codon, C replaced by G.
Molecular consequence: 3 prime UTR variant.
Genome position (GRCh38, 1-based): chr5:149,985,279, C>G. VCF-style: chr5-149985279-C-G. GRCh37 (hg19) VCF-style: chr5-149364842-C-G.
Identifiers: ClinVar variation 352077 (VCV000352077.6), dbSNP rs6888879, ClinGen allele CA10619693.

ClinVar aggregate classification (germline): Benign/Likely benign. Review status: criteria provided, multiple submitters, no conflicts (2 of 4 stars). 6 submissions from 2 submitters: Benign (4); Likely benign (2). Last evaluated 2021-08-30.

Conditions:
Sulfate transporter-related osteochondrodysplasia. Also called: DTDST-related dysplasias. Identifiers: MedGen CN120497. Disease mechanism: loss of function.
Achondrogenesis, type IB (ACG1B). Also called: Achondrogenesis Type 1B. Identifiers: Orphanet 932, Orphanet 93298, MedGen C0265274, MONDO:0010966, OMIM 600972.
Multiple epiphyseal dysplasia type 4 (EDM4). Also called: MULTIPLE EPIPHYSEAL DYSPLASIA WITH BILAYERED PATELLAE; MULTIPLE EPIPHYSEAL DYSPLASIA WITH CLUBFOOT; MULTIPLE EPIPHYSEAL DYSPLASIA, AUTOSOMAL RECESSIVE; SLC26A2-Related Multiple Epiphyseal Dysplasia; Multiple Epiphyseal Dysplasia, Recessive. Identifiers: Orphanet 93307, MedGen C1847593, MONDO:0009189, OMIM 226900.
Atelosteogenesis type II (AO2). Also called: NEONATAL OSSEOUS DYSPLASIA I; Neonatal osseous dysplasia 1; SLC26A2-Related Atelosteogenesis. Identifiers: Orphanet 56304, MedGen C1850554, MONDO:0009727, OMIM 256050.
Diastrophic dysplasia (DTD). Also called: Diastrophic dwarfism. Identifiers: Orphanet 628, MedGen C0220726, MONDO:0009107, OMIM 222600.

Allele frequency attached by ClinVar (database versions not stated): gnomAD 0.01211 and 0.01309; 1000 Genomes Project 0.01338; TOPMed 0.01378; 1000 Genomes Project 30x 0.01483.

Submissions (6):

GeneDx
Classification: Likely benign. Last evaluated: 2021-08-30. Review status: criteria provided, single submitter. Criteria: GeneDx Variant Classification Process June 2021. Collection method: clinical testing. Allele origin: germline. Affected: yes.

Illumina Laboratory Services, Illumina
Classification: Benign for Achondrogenesis, type IB. Last evaluated: 2018-01-13. Review status: criteria provided, single submitter. Criteria: ICSL Variant Classification Criteria 13 December 2019. Collection method: clinical testing. Allele origin: germline.
Comment: This variant was observed in the ICSL laboratory as part of a predisposition screen in an ostensibly healthy population. It had not been previously curated by ICSL or reported in the Human Gene Mutation Database (HGMD: prior to June 1st, 2018), and was therefore a candidate for classification through an automated scoring system. Utilizing variant allele frequency, disease prevalence and penetrance estimates, and inheritance mode, an automated score was calculated to assess if this variant is too frequent to cause the disease. Based on the score and internal cut-off values, a variant classified as benign is not then subjected to further curation. The score for this variant resulted in a classification of benign for this disease.

Illumina Laboratory Services, Illumina
Classification: Likely benign for Osteochondrodysplasia. Last evaluated: 2018-01-13. Review status: criteria provided, single submitter. Criteria: ICSL Variant Classification Criteria 13 December 2019. Collection method: clinical testing. Allele origin: germline.
Comment: This variant was observed in the ICSL laboratory as part of a predisposition screen in an ostensibly healthy population. It had not been previously curated by ICSL or reported in the Human Gene Mutation Database (HGMD: prior to June 1st, 2018), and was therefore a candidate for classification through an automated scoring system. Utilizing variant allele frequency, disease prevalence and penetrance estimates, and inheritance mode, an automated score was calculated to assess if this variant is too frequent to cause the disease. Based on the score and internal cut-off values, a variant classified as likely benign is not then subjected to further curation. The score for this variant resulted in a classification of likely benign for this disease.

Illumina Laboratory Services, Illumina
Classification: Benign for Diastrophic dysplasia. Last evaluated: 2018-01-13. Review status: criteria provided, single submitter. Criteria: ICSL Variant Classification Criteria 13 December 2019. Collection method: clinical testing. Allele origin: germline.
Comment: the same text as in the submission from Illumina Laboratory Services, Illumina above.

Illumina Laboratory Services, Illumina
Classification: Benign for Atelosteogenesis type II. Last evaluated: 2018-01-13. Review status: criteria provided, single submitter. Criteria: ICSL Variant Classification Criteria 13 December 2019. Collection method: clinical testing. Allele origin: germline.
Comment: the same text as in the submission from Illumina Laboratory Services, Illumina above.

Illumina Laboratory Services, Illumina
Classification: Benign for Multiple epiphyseal dysplasia type 4. Last evaluated: 2018-01-13. Review status: criteria provided, single submitter. Criteria: ICSL Variant Classification Criteria 13 December 2019. Collection method: clinical testing. Allele origin: germline.
Comment: the same text as in the submission from Illumina Laboratory Services, Illumina above.